The following is an entry in ClinVar:

ClinVar aggregate classification (germline): Uncertain significance. Review status: criteria provided, multiple submitters, no conflicts (2 of 4 stars). 2 submissions from 2 submitters: Uncertain significance (2). Last evaluated 2026-07-04.

Conditions:
Inborn genetic diseases. Identifiers: MedGen C0950123, MeSH D030342.

gnomAD v4.1: 2 of 1,613,438 alleles (0.00012%); highest among the groups gnomAD compares: African/African-American, 0.0027%; no homozygotes.

Submissions (2):

Ambry Genetics
Classification: Uncertain significance for Inborn genetic diseases. Last evaluated: 2026-07-04. Review status: criteria provided, single submitter. Criteria: Ambry Variant Classification Scheme 2023. Collection method: clinical testing. Allele origin: germline.
Comment: The p.L905R variant (also known as c.2714T>G), located in coding exon 1 of the SAMD9 gene, results from a T to G substitution at nucleotide position 2714. The leucine at codon 905 is replaced by arginine, an amino acid with dissimilar properties. This amino acid position is conserved. In addition, the in silico prediction for this alteration is inconclusive. Based on the available evidence, the clinical significance of this variant remains unclear.

Labcorp Genetics (formerly Invitae), Labcorp
Classification: Uncertain significance. Last evaluated: 2024-07-24. Review status: criteria provided, single submitter. Criteria: Invitae Variant Classification Sherloc (09022015). Collection method: clinical testing. Allele origin: germline.
Comment: This sequence change replaces leucine, which is neutral and non-polar, with arginine, which is basic and polar, at codon 905 of the SAMD9 protein (p.Leu905Arg). This variant is not present in population databases (gnomAD no frequency). This variant has not been reported in the literature in individuals affected with SAMD9-related conditions. Advanced modeling of protein sequence and biophysical properties (such as structural, functional, and spatial information, amino acid conservation, physicochemical variation, residue mobility, and thermodynamic stability) has been performed at Invitae for this missense variant, however the output from this modeling did not meet the statistical confidence thresholds required to predict the impact of this variant on SAMD9 protein function. In summary, the available evidence is currently insufficient to determine the role of this variant in disease. Therefore, it has been classified as a Variant of Uncertain Significance.

NM_017654.4(SAMD9):c.2714T>G (p.Leu905Arg)

Gene: SAMD9 (sterile alpha motif domain containing 9; minus strand). Cytogenetic location: 7q21.2.
Variant type: single nucleotide variant.
Coding change: c.2714T>G on transcript NM_017654.4 (MANE Select); coding-DNA position 2714, T replaced by G.
Protein change: p.Leu905Arg; replaces leucine 905 with arginine.
Molecular consequence: missense variant.
Genome position (GRCh38, 1-based): chr7:93,103,384, A>C on the plus strand (T>G on the coding strand, the complement: SAMD9 is on the minus strand). VCF-style: chr7-93103384-A-C. GRCh37 (hg19) VCF-style: chr7-92732697-A-C.
Other names: c.2714T>G (NM_017654.3); c.2714T>G, p.Leu905Arg (NM_001193307.2); short protein forms L905R.
Identifiers: ClinVar variation 3636739 (VCV003636739.3).